The following is an entry in ClinVar:

NM_018941.4(CLN8):c.109_112dup (p.Val38fs)

Gene: CLN8 (CLN8 transmembrane ER and ERGIC protein; plus strand). Cytogenetic location: 8p23.3.
Variant type: Duplication.
Coding change: c.109_112dup on transcript NM_018941.4 (MANE Select); coding-DNA positions 109 to 112, 4 bases duplicated (GGCG; older notation c.109_112dupGGCG).
Protein change: p.Val38fs; shifts the reading frame from valine 38.
Molecular consequence: frameshift variant.
Genome position (GRCh38, 1-based): chr8:1,771,163-1,771,166, GGCG duplicated; duplicating any 4 consecutive bases within chr8:1,771,162-1,771,166 gives the same sequence; the c. name uses the placement nearest the transcript's 3' end. VCF-style (leftmost placement, unchanged base first): chr8-1771161-T-TGGGC. GRCh37 (hg19) VCF-style: chr8-1719327-T-TGGGC.
Other names: short protein forms V38fs.
Identifiers: ClinVar variation 2019654 (VCV002019654.4), dbSNP rs2486437938, ClinGen allele CA2580077990.

ClinVar aggregate classification (germline): Pathogenic (1 of 4 stars; one submission).

Conditions:
Neuronal ceroid lipofuscinosis. Also called: Neuronal Ceroid Lipofuscinoses. Identifiers: Orphanet 216, Orphanet 79263, MedGen C0027877, MONDO:0016295. Disease mechanism: loss of function.

Submission:

Labcorp Genetics (formerly Invitae), Labcorp
Classification: Pathogenic for Neuronal ceroid lipofuscinosis. Last evaluated: 2022-10-13. Review status: criteria provided, single submitter. Criteria: Invitae Variant Classification Sherloc (09022015). Collection method: clinical testing. Allele origin: germline.
Comment: This sequence change creates a premature translational stop signal (p.Val38Glyfs*81) in the CLN8 gene. It is expected to result in an absent or disrupted protein product. Loss-of-function variants in CLN8 are known to be pathogenic (PMID: 15024724). This variant is not present in population databases (gnomAD no frequency). This variant has not been reported in the literature in individuals affected with CLN8-related conditions. For these reasons, this variant has been classified as Pathogenic.

Literature cited by the submitters: PubMed 15024724.